The following is an entry in ClinVar:

NM_004304.5(ALK):c.130C>T (p.Leu44Phe)

Gene: ALK (ALK receptor tyrosine kinase; minus strand). Cytogenetic location: 2p23.1.
Variant type: single nucleotide variant.
Coding change: c.130C>T on transcript NM_004304.5 (MANE Select); coding-DNA position 130, C replaced by T.
Protein change: p.Leu44Phe; replaces leucine 44 with phenylalanine.
Molecular consequence: missense variant.
Genome position (GRCh38, 1-based): chr2:29,920,530, G>A on the plus strand (C>T on the coding strand, the complement: ALK is on the minus strand). VCF-style: chr2-29920530-G-A. GRCh37 (hg19) VCF-style: chr2-30143396-G-A.
Other names: short protein forms L44F.
Identifiers: ClinVar variation 3661915 (VCV003661915.2).

ClinVar aggregate classification (germline): Uncertain significance (1 of 4 stars; one submission).

Conditions:
Neuroblastoma, susceptibility to, 3. Also called: ALK-Related Neuroblastic Tumor Susceptibility. Identifiers: Orphanet 635, MedGen C2751681, MONDO:0013083, OMIM 613014.

Submission:

Labcorp Genetics (formerly Invitae), Labcorp
Classification: Uncertain significance for Neuroblastoma, susceptibility to, 3. Last evaluated: 2024-08-11. Review status: criteria provided, single submitter. Criteria: Invitae Variant Classification Sherloc (09022015). Collection method: clinical testing. Allele origin: germline.
Comment: This sequence change replaces leucine, which is neutral and non-polar, with phenylalanine, which is neutral and non-polar, at codon 44 of the ALK protein (p.Leu44Phe). This variant is not present in population databases (gnomAD no frequency). This variant has not been reported in the literature in individuals affected with ALK-related conditions. An algorithm developed to predict the effect of missense changes on protein structure and function (PolyPhen-2) suggests that this variant is likely to be disruptive. In summary, the available evidence is currently insufficient to determine the role of this variant in disease. Therefore, it has been classified as a Variant of Uncertain Significance.